The following is an entry in ClinVar:

ClinVar aggregate classification (germline): Uncertain significance (0 of 4 stars; one submission).

Conditions:
Short-rib thoracic dysplasia 6 with or without polydactyly (SRTD6). Also called: POLYDACTYLY WITH NEONATAL CHONDRODYSTROPHY, TYPE II; Majewski Syndrome; SHORT RIB-POLYDACTYLY SYNDROME, TYPE IIA; SHORT-RIB THORACIC DYSPLASIA 6 WITH POLYDACTYLY; SHORT-RIB THORACIC DYSPLASIA 6 WITHOUT POLYDACTYLY. Identifiers: MedGen C0024507, MONDO:0009894, OMIM 263520.

Submission:

Royal Medical Services, Bahrain Defence Force Hospital
Classification: Uncertain significance for Short-rib thoracic dysplasia 6 with or without polydactyly. Review status: no assertion criteria provided. Collection method: clinical testing. Allele origin: inherited. Inheritance: Autosomal recessive inheritance. Affected: yes. Observed: 1 homozygote.
Comment: The NEK1 variant c.3190T>G p.(Ser1064Ala) causes an amino acid change from Ser to Ala at position 1064. It is classified as variant of uncertain significance (class 3) according to the recommendations of CENTOGENE and ACMG.

Literature cited by the submitters: PubMed 263520.

NM_001199397.3(NEK1):c.3190T>G (p.Ser1064Ala)

Gene: NEK1 (NIMA related kinase 1; minus strand). Cytogenetic location: 4q33.
Variant type: single nucleotide variant.
Coding change: c.3190T>G on transcript NM_001199397.3 (MANE Select); coding-DNA position 3190, T replaced by G.
Protein change: p.Ser1064Ala; replaces serine 1064 with alanine.
Molecular consequence: missense variant. On other transcripts: non-coding transcript variant (1).
Genome position (GRCh38, 1-based): chr4:169,424,585, A>C on the plus strand (T>G on the coding strand, the complement: NEK1 is on the minus strand). VCF-style: chr4-169424585-A-C. GRCh37 (hg19) VCF-style: chr4-170345736-A-C.
Other names: c.3058T>G, p.Ser1020Ala (NM_001199398.3); c.2899T>G, p.Ser967Ala (NM_001199399.3); c.2974T>G, p.Ser992Ala (NM_001199400.3); c.3190T>G, p.Ser1064Ala (NM_001374418.1); c.3106T>G, p.Ser1036Ala (NM_001374419.1, NM_012224.4); c.3055T>G, p.Ser1019Ala (NM_001374420.1); c.2707T>G, p.Ser903Ala (NM_001374421.1); short protein forms S1019A, S1020A, S1036A, S1064A, S903A, S967A, S992A.
Identifiers: ClinVar variation 3242253 (VCV003242253.2), dbSNP rs2478076515.